The following is an entry in ClinVar:

ClinVar aggregate classification (germline): Pathogenic/Likely pathogenic. Review status: criteria provided, multiple submitters, no conflicts (2 of 4 stars). 2 submissions from 2 submitters: Pathogenic (1); Likely pathogenic (1). Last evaluated 2024-02-09.

Conditions:
Retinitis pigmentosa 39 (RP39). Identifiers: Orphanet 791, MedGen C3151138, MONDO:0013436, OMIM 613809.
USH2A-related disorder. Also called: USH2A-related disorders; USH2A-related condition. Identifiers: MedGen CN239332.

Submissions (2):

Myriad Genetics, Inc.
Classification: Pathogenic for USH2A-related disorder. Last evaluated: 2024-02-09. Review status: criteria provided, single submitter. Criteria: Myriad Autosomal Dominant, Autosomal Recessive and X-Linked Classification Criteria (2023). Collection method: clinical testing. Allele origin: unknown.
Comment: NM_206933.2(USH2A):c.11884G>T(E3962*) is expected to be pathogenic in the context of USH2A-related disorders. This variant is predicted to lead to an abnormal or absent protein product due to the creation of a premature termination codon in USH2A, a gene where loss-of-function variants are known to be pathogenic. Please note: this variant was assessed in the context of healthy population screening.

Baylor Genetics
Classification: Likely pathogenic for Retinitis pigmentosa 39. Last evaluated: 2023-10-09. Review status: criteria provided, single submitter. Criteria: ACMG Guidelines, 2015. Collection method: clinical testing. Allele origin: unknown.

NM_206933.4(USH2A):c.11884G>T (p.Glu3962Ter)

Gene: USH2A (usherin; minus strand). Cytogenetic location: 1q41.
Variant type: single nucleotide variant.
Coding change: c.11884G>T on transcript NM_206933.4 (MANE Select); coding-DNA position 11884, G replaced by T.
Protein change: p.Glu3962Ter; replaces glutamic acid 3962 with a stop codon.
Molecular consequence: nonsense.
Genome position (GRCh38, 1-based): chr1:215,728,212, C>A on the plus strand (G>T on the coding strand, the complement: USH2A is on the minus strand). VCF-style: chr1-215728212-C-A. GRCh37 (hg19) VCF-style: chr1-215901554-C-A.
Other names: short protein forms E3962*.
Identifiers: ClinVar variation 2679448 (VCV002679448.2), dbSNP rs1571626731, ClinGen allele CA344828791.